The following is an entry in ClinVar:

ClinVar aggregate classification (germline): Uncertain significance (1 of 4 stars; one submission).

Conditions:
Atrioventricular septal defect 4 (AVSD4). Identifiers: MedGen C3280781, MONDO:0013747, OMIM 614430.

Submission:

Labcorp Genetics (formerly Invitae), Labcorp
Classification: Uncertain significance for Atrioventricular septal defect 4. Last evaluated: 2024-09-21. Review status: criteria provided, single submitter. Criteria: Invitae Variant Classification Sherloc (09022015). Collection method: clinical testing. Allele origin: germline.
Comment: This sequence change replaces proline, which is neutral and non-polar, with serine, which is neutral and polar, at codon 13 of the GATA4 protein (p.Pro13Ser). This variant is not present in population databases (gnomAD no frequency). This variant has not been reported in the literature in individuals affected with GATA4-related conditions. An algorithm developed to predict the effect of missense changes on protein structure and function (PolyPhen-2) suggests that this variant is likely to be disruptive. In summary, the available evidence is currently insufficient to determine the role of this variant in disease. Therefore, it has been classified as a Variant of Uncertain Significance.

NM_001308093.3(GATA4):c.37C>T (p.Pro13Ser)

Gene: GATA4 (GATA binding protein 4). Cytogenetic location: 8p23.1.
Variant type: single nucleotide variant.
Coding change: c.37C>T on transcript NM_001308093.3 (MANE Select); coding-DNA position 37, C replaced by T.
Protein change: p.Pro13Ser; replaces proline 13 with serine.
Molecular consequence: missense variant. On other transcripts: intron variant (3).
Genome position (GRCh38, 1-based): chr8:11,708,349, C>T. VCF-style: chr8-11708349-C-T. GRCh37 (hg19) VCF-style: chr8-11565858-C-T.
Other names: c.37C>T, p.Pro13Ser (NM_002052.5); c.-6+7571C>T (NM_001308094.2); c.-3+335C>T (NM_001374274.1); c.-3+4045C>T (NM_001374273.1); short protein forms P13S.
Identifiers: ClinVar variation 3670666 (VCV003670666.2).